The following is an entry in ClinVar:

NM_002246.3(KCNK3):c.338A>G (p.Tyr113Cys)

Gene: KCNK3 (potassium two pore domain channel subfamily K member 3; plus strand). Cytogenetic location: 2p23.3.
Variant type: single nucleotide variant.
Coding change: c.338A>G on transcript NM_002246.3 (MANE Select); coding-DNA position 338, A replaced by G.
Protein change: p.Tyr113Cys; replaces tyrosine 113 with cysteine.
Molecular consequence: missense variant.
Genome position (GRCh38, 1-based): chr2:26,727,721, A>G. VCF-style: chr2-26727721-A-G. GRCh37 (hg19) VCF-style: chr2-26950589-A-G.
Other names: short protein forms Y113C.
Identifiers: ClinVar variation 4689868 (VCV004689868.1).

ClinVar aggregate classification (germline): Uncertain significance (1 of 4 stars; one submission).

Submission:

GeneDx
Classification: Uncertain significance. Last evaluated: 2025-07-27. Review status: criteria provided, single submitter. Criteria: GeneDx Variant Classification Process June 2021. Collection method: clinical testing. Allele origin: germline. Affected: yes.
Comment: Not observed at significant frequency in large population cohorts (gnomAD); In silico analysis supports that this missense variant has a deleterious effect on protein structure/function; Has not been previously published as pathogenic or benign to our knowledge